The following is an entry in ClinVar:

NM_000171.4(GLRA1):c.971C>A (p.Ser324Ter)

Gene: GLRA1 (glycine receptor alpha 1; minus strand). Cytogenetic location: 5q33.1.
Variant type: single nucleotide variant.
Coding change: c.971C>A on transcript NM_000171.4 (MANE Select); coding-DNA position 971, C replaced by A.
Protein change: p.Ser324Ter; replaces serine 324 with a stop codon.
Molecular consequence: nonsense.
Genome position (GRCh38, 1-based): chr5:151,829,009, G>T on the plus strand (C>A on the coding strand, the complement: GLRA1 is on the minus strand). VCF-style: chr5-151829009-G-T. GRCh37 (hg19) VCF-style: chr5-151208570-G-T.
Other names: S296*; c.971C>A, p.Ser324Ter (NM_001146040.2); c.722C>A, p.Ser241Ter (NM_001292000.2); short protein forms S324*, S241*.
Identifiers: ClinVar variation 16073 (VCV000016073.10), dbSNP rs121918418, ClinGen allele CA257412.

ClinVar aggregate classification (germline): Pathogenic. Review status: criteria provided, multiple submitters, no conflicts (2 of 4 stars). 4 submissions from 4 submitters: Pathogenic (3). 1 of the submissions does not count toward it. Last evaluated 2025-11-07.

Conditions:
Hereditary hyperekplexia. Identifiers: Orphanet 3197, MedGen C4084968, MONDO:0021022.
Paediatric disorders.
Hyperekplexia 1 (STHE). Also called: EXAGGERATED STARTLE REACTION; HYPEREKPLEXIA 1, AUTOSOMAL DOMINANT; HYPEREKPLEXIA 1, AUTOSOMAL RECESSIVE; KOK DISEASE; STARTLE DISEASE, FAMILIAL; STIFF-BABY SYNDROME. Identifiers: Orphanet 3197, MedGen C4551954, MONDO:0007868, OMIM 149400.

Allele frequency attached by ClinVar (database versions not stated): gnomAD 0.00001; gnomAD exomes 0.00001; TOPMed 0.00002.
gnomAD v4.1: 22 of 1,614,016 alleles (0.0014%); highest among the groups gnomAD compares: Non-Finnish European, 0.0019%; no homozygotes.

Submissions (4):

North West Genomic Laboratory Hub, Manchester University NHS Foundation Trust
Classification: Pathogenic for Paediatric disorders. Last evaluated: 2025-11-07. Review status: criteria provided, single submitter. Criteria: ACGS Best Practice Guidelines for Variant Classification in Rare Disease 2024. Collection method: clinical testing. Allele origin: germline. Affected: yes.
Comment: PS2_Supp PVS1_VStr PM2_Mod PM3_Mod PP4_Supp

Labcorp Genetics (formerly Invitae), Labcorp
Classification: Pathogenic for Hereditary hyperekplexia. Last evaluated: 2022-03-01. Review status: criteria provided, single submitter. Criteria: Invitae Variant Classification Sherloc (09022015). Collection method: clinical testing. Allele origin: germline.
Comment: This variant is not present in population databases (gnomAD no frequency). This sequence change creates a premature translational stop signal (p.Ser324*) in the GLRA1 gene. While this is not anticipated to result in nonsense mediated decay, it is expected to disrupt the last 126 amino acid(s) of the GLRA1 protein. This premature translational stop signal has been observed in individual(s) with hyperekplexia (PMID: 17536053). In at least one individual the variant was observed to be de novo. For these reasons, this variant has been classified as Pathogenic. Experimental studies have shown that this premature translational stop signal affects GLRA1 function (PMID: 17536053). Algorithms developed to predict the effect of variants on protein structure and function are not available or were not evaluated for this variant. ClinVar contains an entry for this variant (Variation ID: 16073).

GeneDx
Classification: Pathogenic. Last evaluated: 2018-10-12. Review status: criteria provided, single submitter. Criteria: GeneDx Variant Classification (06012015). Collection method: clinical testing. Allele origin: germline. Affected: yes.
Comment: The S324X nonsense variant in the GLRA1 gene has been reported previously (using S296X using alternative nomenclature) as a de novo change in an individual with hyperekplexia (Bellini et al., 2007). Functional studies demonstrated that S324X impairs protein function via a dominant negative effect (Bellini et al., 20017). This variant is not observed in large population cohorts (Lek et al., 2016). We interpret this variant as pathogenic.

OMIM
Classification: Pathogenic for HYPEREKPLEXIA 1, AUTOSOMAL DOMINANT. Last evaluated: 2007-05-29. Review status: no assertion criteria provided. Collection method: literature only. Allele origin: germline. Not counted in ClinVar's aggregate classification.

Literature cited by the submitters: PubMed 17536053 (cited by Labcorp Genetics (formerly Invitae), Labcorp and OMIM).